The following is an entry in ClinVar:

ClinVar aggregate classification (germline): Uncertain significance. Review status: criteria provided, multiple submitters, no conflicts (2 of 4 stars). 3 submissions from 3 submitters: Uncertain significance (3). Last evaluated 2025-11-19.

Conditions:
Hereditary cancer-predisposing syndrome. Also called: Tumor predisposition; Hereditary Cancer Syndrome; Hereditary neoplastic syndrome; Neoplastic Syndromes, Hereditary. Identifiers: Orphanet 140162, MedGen C0027672, MeSH D009386, MONDO:0015356.

Allele frequency attached by ClinVar (database versions not stated): gnomAD 0.00001; TOPMed below 0.00001.
gnomAD v4.1: 2 of 1,613,800 alleles (0.00012%); highest among the groups gnomAD compares: Non-Finnish European, 0.00017%; no homozygotes.

Submissions (3):

Ambry Genetics
Classification: Uncertain significance for Hereditary cancer-predisposing syndrome. Last evaluated: 2025-11-19. Review status: criteria provided, single submitter. Criteria: Ambry Variant Classification Scheme 2023. Collection method: clinical testing. Allele origin: germline.
Comment: The p.A298S variant (also known as c.892G>T), located in coding exon 6 of the FH gene, results from a G to T substitution at nucleotide position 892. The alanine at codon 298 is replaced by serine, an amino acid with similar properties. This amino acid position is well conserved in available vertebrate species. In addition, the in silico prediction for this alteration is inconclusive. Since supporting evidence is limited at this time, the clinical significance of this alteration remains unclear.

Women's Health and Genetics/Laboratory Corporation of America, LabCorp
Classification: Uncertain significance. Last evaluated: 2024-07-17. Review status: criteria provided, single submitter. Criteria: LabCorp Variant Classification Summary - May 2015. Collection method: clinical testing. Allele origin: germline.

Labcorp Genetics (formerly Invitae), Labcorp
Classification: Uncertain significance. Last evaluated: 2024-05-29. Review status: criteria provided, single submitter. Criteria: Invitae Variant Classification Sherloc (09022015). Collection method: clinical testing. Allele origin: germline.
Comment: This sequence change replaces alanine, which is neutral and non-polar, with serine, which is neutral and polar, at codon 298 of the FH protein (p.Ala298Ser). This variant is present in population databases (rs201395553, gnomAD 0.0009%). This variant has not been reported in the literature in individuals affected with FH-related conditions. ClinVar contains an entry for this variant (Variation ID: 2587063). Advanced modeling of protein sequence and biophysical properties (such as structural, functional, and spatial information, amino acid conservation, physicochemical variation, residue mobility, and thermodynamic stability) performed at Invitae indicates that this missense variant is not expected to disrupt FH protein function with a negative predictive value of 95%. This variant disrupts the p.Ala298 amino acid residue in FH. Other variant(s) that disrupt this residue have been determined to be pathogenic (PMID: 22764886). This suggests that this residue is clinically significant, and that variants that disrupt this residue are likely to be disease-causing. In summary, the available evidence is currently insufficient to determine the role of this variant in disease. Therefore, it has been classified as a Variant of Uncertain Significance.

Literature cited by the submitters: PubMed 22764886 (cited by Labcorp Genetics (formerly Invitae), Labcorp).

NM_000143.4(FH):c.892G>T (p.Ala298Ser)

Gene: FH (fumarate hydratase; minus strand). Cytogenetic location: 1q43.
Variant type: single nucleotide variant.
Coding change: c.892G>T on transcript NM_000143.4 (MANE Select); coding-DNA position 892, G replaced by T.
Protein change: p.Ala298Ser; replaces alanine 298 with serine.
Molecular consequence: missense variant.
Genome position (GRCh38, 1-based): chr1:241,506,015, C>A on the plus strand (G>T on the coding strand, the complement: FH is on the minus strand). VCF-style: chr1-241506015-C-A. GRCh37 (hg19) VCF-style: chr1-241669315-C-A.
Other names: short protein forms A298S.
Identifiers: ClinVar variation 2587063 (VCV002587063.6), dbSNP rs201395553, ClinGen allele CA40328116.